The following is an entry in ClinVar:

NM_000038.6(APC):c.6745A>G (p.Lys2249Glu)

Gene: APC (APC regulator of Wnt signaling pathway; plus strand). Cytogenetic location: 5q22.2.
Variant type: single nucleotide variant.
Coding change: c.6745A>G on transcript NM_000038.6 (MANE Select); coding-DNA position 6745, A replaced by G.
Protein change: p.Lys2249Glu; replaces lysine 2249 with glutamic acid.
Molecular consequence: missense variant.
Genome position (GRCh38, 1-based): chr5:112,842,339, A>G. VCF-style: chr5-112842339-A-G. GRCh37 (hg19) VCF-style: chr5-112178036-A-G.
Other names: c.6745A>G, p.Lys2249Glu (NM_001127510.3, NM_001354895.2); c.6691A>G, p.Lys2231Glu (NM_001127511.3); c.6799A>G, p.Lys2267Glu (NM_001354896.2); c.6775A>G, p.Lys2259Glu (NM_001354897.2); c.6670A>G, p.Lys2224Glu (NM_001354898.2); c.6661A>G, p.Lys2221Glu (NM_001354899.2); c.6622A>G, p.Lys2208Glu (NM_001354900.2); c.6568A>G, p.Lys2190Glu (NM_001354901.2); and 5 more; short protein forms K2231E, K2249E, K2123E, K2158E, K2208E, K2224E, K1966E, K2190E.
Identifiers: ClinVar variation 628087 (VCV000628087.21), dbSNP rs1561609794, ClinGen allele CA16036072.

ClinVar aggregate classification (germline): Uncertain significance. Review status: criteria provided, multiple submitters, no conflicts (2 of 4 stars). 5 submissions from 5 submitters: Uncertain significance (5). Last evaluated 2026-04-09.

Conditions:
Classic or attenuated familial adenomatous polyposis. Identifiers: MedGen CN372698, MONDO:0021057.
Familial adenomatous polyposis 1 (FAP1). Also called: FAMILIAL ADENOMATOUS POLYPOSIS 1, ATTENUATED; POLYPOSIS, ADENOMATOUS INTESTINAL. Identifiers: MedGen C2713442, MONDO:0021056, OMIM 175100. Disease mechanism: loss of function.
Hereditary cancer-predisposing syndrome. Also called: Tumor predisposition; Hereditary Cancer Syndrome; Neoplastic Syndromes, Hereditary; Hereditary neoplastic syndrome. Identifiers: Orphanet 140162, MedGen C0027672, MeSH D009386, MONDO:0015356.

Allele frequency attached by ClinVar (database versions not stated): gnomAD exomes below 0.00001.
gnomAD v4.1: 2 of 1,613,964 alleles (0.00012%); highest among the groups gnomAD compares: South Asian, 0.0011%; no homozygotes.

Submissions (5):

Ambry Genetics
Classification: Uncertain significance for Hereditary cancer-predisposing syndrome. Last evaluated: 2026-04-09. Review status: criteria provided, single submitter. Criteria: Ambry Variant Classification Scheme 2023. Collection method: clinical testing. Allele origin: germline.

Color Diagnostics, LLC DBA Color Health
Classification: Uncertain significance for Hereditary cancer-predisposing syndrome. Last evaluated: 2025-11-11. Review status: criteria provided, single submitter. Criteria: ACMG Guidelines, 2015. Collection method: clinical testing. Allele origin: germline.
Comment: This missense variant replaces lysine with glutamic acid at codon 2249 of the APC protein. Computational prediction suggests that this variant may not impact protein structure and function. APC is defined as a gene for which primarily truncating variants are known to cause disease (ClinGen HCCP VCEP). To our knowledge, functional studies have not been reported for this variant. This variant has not been reported in individuals affected with APC-related disorders in the literature. This variant has been identified in 2/1613964 chromosomes in the general population by the Genome Aggregation Database (gnomAD). The available evidence is insufficient to determine the role of this variant in disease conclusively. Therefore, this variant is classified as a Variant of Uncertain Significance.

Labcorp Genetics (formerly Invitae), Labcorp
Classification: Uncertain significance for Familial adenomatous polyposis 1. Last evaluated: 2025-10-07. Review status: criteria provided, single submitter. Criteria: Invitae Variant Classification Sherloc (09022015). Collection method: clinical testing. Allele origin: germline.
Comment: This sequence change replaces lysine, which is basic and polar, with glutamic acid, which is acidic and polar, at codon 2249 of the APC protein (p.Lys2249Glu). This variant is not present in population databases (gnomAD no frequency). This variant has not been reported in the literature in individuals affected with APC-related conditions. ClinVar contains an entry for this variant (Variation ID: 628087). Invitae Evidence Modeling of protein sequence and biophysical properties (such as structural, functional, and spatial information, amino acid conservation, physicochemical variation, residue mobility, and thermodynamic stability) indicates that this missense variant is not expected to disrupt APC protein function with a negative predictive value of 95%. RNA analysis performed to evaluate the impact of this missense change on mRNA splicing indicates it does not significantly alter splicing (internal data). In summary, the available evidence is currently insufficient to determine the role of this variant in disease. Therefore, it has been classified as a Variant of Uncertain Significance.

All of Us Research Program, National Institutes of Health
Classification: Uncertain significance for Classic or attenuated familial adenomatous polyposis. Last evaluated: 2023-05-16. Review status: criteria provided, single submitter. Criteria: ACMG Guidelines, 2015. Collection method: clinical testing. Allele origin: germline. Inheritance: Autosomal dominant inheritance. Observed: 2 variant alleles, 2 heterozygotes.
Comment: This missense variant replaces lysine with glutamic acid at codon 2249 of the APC protein. Computational prediction suggests that this variant may not impact protein structure and function (internally defined REVEL score threshold <= 0.5, PMID: 27666373). To our knowledge, functional studies have not been reported for this variant. This variant has not been reported in individuals affected with APC-related disorders in the literature. This variant has not been identified in the general population by the Genome Aggregation Database (gnomAD). The available evidence is insufficient to determine the role of this variant in disease conclusively. Therefore, this variant is classified as a Variant of Uncertain Significance.

This study involves interpretation of variants in research participants for the purpose of population health screening. Participant phenotype was not available at the time of variant classification. Additional details can be found in publication PMID: 35346344, PMCID: PMC8962531

GeneDx
Classification: Uncertain significance. Last evaluated: 2022-12-16. Review status: criteria provided, single submitter. Criteria: GeneDx Variant Classification Process June 2021. Collection method: clinical testing. Allele origin: germline. Affected: yes.
Comment: Not observed at significant frequency in large population cohorts (gnomAD); In silico analysis supports that this missense variant does not alter protein structure/function; Has not been previously published as pathogenic or benign to our knowledge; This variant is associated with the following publications: (PMID: 18199528)